The following is an entry in ClinVar:

NM_001365999.1(SZT2):c.4073del (p.Pro1358fs)

Gene: SZT2 (SZT2 subunit of KICSTOR complex; plus strand). Cytogenetic location: 1p34.2.
Variant type: Deletion.
Coding change: c.4073del on transcript NM_001365999.1 (MANE Select); coding-DNA position 4073, one base deleted (C; older notation c.4073delC).
Protein change: p.Pro1358fs; shifts the reading frame from proline 1358.
Molecular consequence: frameshift variant.
Genome position (GRCh38, 1-based): chr1:43,428,393, C deleted; the last of 5 consecutive C bases (chr1:43,428,389-43,428,393); deleting any one gives the same sequence. VCF-style (leftmost placement, unchanged base first): chr1-43428388-AC-A. GRCh37 (hg19) VCF-style: chr1-43894059-AC-A.
Other names: c.3902del, p.Pro1301fs (NM_015284.4); short protein forms P1358fs, P1301fs.
Identifiers: ClinVar variation 2030193 (VCV002030193.4), dbSNP rs766235917, ClinGen allele CA809173.

ClinVar aggregate classification (germline): Pathogenic (1 of 4 stars; one submission).

Submission:

Labcorp Genetics (formerly Invitae), Labcorp
Classification: Pathogenic. Last evaluated: 2023-06-24. Review status: criteria provided, single submitter. Criteria: Invitae Variant Classification Sherloc (09022015). Collection method: clinical testing. Allele origin: germline.
Comment: For these reasons, this variant has been classified as Pathogenic. ClinVar contains an entry for this variant (Variation ID: 2030193). This variant has not been reported in the literature in individuals affected with SZT2-related conditions. This variant is present in population databases (rs766235917, gnomAD 0.02%). This sequence change creates a premature translational stop signal (p.Pro1301Glnfs*27) in the SZT2 gene. It is expected to result in an absent or disrupted protein product. Loss-of-function variants in SZT2 are known to be pathogenic (PMID: 23932106, 27248490, 28556953).

Literature cited by the submitters: PubMed 23932106; PubMed 27248490; PubMed 28556953.